The following is an entry in ClinVar:

ClinVar aggregate classification (germline): Uncertain significance. Review status: criteria provided, multiple submitters, no conflicts (2 of 4 stars). 2 submissions from 2 submitters: Uncertain significance (2). Last evaluated 2025-05-14.

Conditions:
Ehlers-Danlos syndrome, classic-like, 2. Identifiers: Orphanet 536532, MedGen C4693870, MONDO:0054813, OMIM 618000.

Submissions (2):

Women's Health and Genetics/Laboratory Corporation of America, LabCorp
Classification: Uncertain significance. Last evaluated: 2025-05-14. Review status: criteria provided, single submitter. Criteria: LabCorp Variant Classification Summary - May 2015. Collection method: clinical testing. Allele origin: germline.
Comment: Variant summary: AEBP1 c.460_492del33 (p.Lys154_Pro164del) results in an in-frame deletion that is predicted to remove 11 amino acids from the encoded protein. The variant allele was found at a frequency of 1.6e-05 in 249128 control chromosomes. The available data on variant occurrences in the general population are insufficient to allow any conclusion about variant significance. To our knowledge, no occurrence of c.460_492del33 in individuals affected with Ehlers-Danlos syndrome, classic-like, 2 and no experimental evidence demonstrating its impact on protein function have been reported. No submitters have cited clinical-significance assessments for this variant to ClinVar. Based on the evidence outlined above, the variant was classified as uncertain significance.

Fulgent Genetics
Classification: Uncertain significance for Ehlers-Danlos syndrome, classic-like, 2. Last evaluated: 2024-02-29. Review status: criteria provided, single submitter. Criteria: ACMG Guidelines, 2015. Collection method: clinical testing. Allele origin: germline.

NM_001129.5(AEBP1):c.460_492del (p.121KEKPPKATKKP[3])

Gene: AEBP1 (AE binding protein 1; plus strand). Cytogenetic location: 7p13.
Variant type: Deletion.
Coding change: c.460_492del on transcript NM_001129.5 (MANE Select); coding-DNA positions 460 to 492, 33 bases deleted.
Protein change: p.121KEKPPKATKKP[3].
Genome position (GRCh38, 1-based): chr7:44,106,752-44,106,784, 33 bases deleted; deleting any 33 consecutive bases within chr7:44,106,722-44,106,784 gives the same sequence; the c. name uses the placement nearest the transcript's 3' end. GRCh37 (hg19): chr7:44,146,351-44,146,383.
Other names: c.460_492del33 (NM_001129.5).
Identifiers: ClinVar variation 3594700 (VCV003594700.2).